The following is an entry in ClinVar:

ClinVar aggregate classification (germline): Uncertain significance (1 of 4 stars; one submission).

Submission:

Ambry Genetics
Classification: Uncertain significance. Last evaluated: 2025-12-15. Review status: criteria provided, single submitter. Criteria: Ambry Variant Classification Scheme 2023. Collection method: clinical testing. Allele origin: germline.
Comment: The p.S253F variant (also known as c.758C>T), located in coding exon 1 of the CDK12 gene, results from a C to T substitution at nucleotide position 758. The serine at codon 253 is replaced by phenylalanine, an amino acid with highly dissimilar properties. This amino acid position is conserved. In addition, this alteration is predicted to be tolerated by in silico analysis. Based on the available evidence, the clinical significance of this variant remains unclear.

NM_016507.4(CDK12):c.758C>T (p.Ser253Phe)

Genes: CDK12 (cyclin dependent kinase 12; plus strand), LOC126862553 (CDK7 strongly-dependent group 2 enhancer GRCh37_chr17:37618166-37619365; plus strand). Cytogenetic location: 17q12.
Variant type: single nucleotide variant.
Coding change: c.758C>T on transcript NM_016507.4 (MANE Select); coding-DNA position 758, C replaced by T.
Protein change: p.Ser253Phe; replaces serine 253 with phenylalanine.
Molecular consequence: missense variant.
Genome position (GRCh38, 1-based): chr17:39,462,829, C>T. VCF-style: chr17-39462829-C-T. GRCh37 (hg19) VCF-style: chr17-37619082-C-T.
Other names: c.758C>T, p.Ser253Phe (NM_015083.4); short protein forms S253F.
Identifiers: ClinVar variation 4841665 (VCV004841665.1).